The following is an entry in ClinVar:

NM_170601.5(SIAE):c.601C>T (p.Arg201Cys)

Gene: SIAE (sialic acid acetylesterase; minus strand). Cytogenetic location: 11q24.2.
Variant type: single nucleotide variant.
Coding change: c.601C>T on transcript NM_170601.5 (MANE Select); coding-DNA position 601, C replaced by T.
Protein change: p.Arg201Cys; replaces arginine 201 with cysteine.
Molecular consequence: missense variant.
Genome position (GRCh38, 1-based): chr11:124,649,740, G>A on the plus strand (C>T on the coding strand, the complement: SIAE is on the minus strand). VCF-style: chr11-124649740-G-A. GRCh37 (hg19) VCF-style: chr11-124519636-G-A.
Other names: c.496C>T, p.Arg166Cys (NM_001199922.2); short protein forms R166C, R201C.
Identifiers: ClinVar variation 1034946 (VCV001034946.6), dbSNP rs139784111, ClinGen allele CA6341465.

ClinVar aggregate classification (germline): Uncertain significance (1 of 4 stars; one submission).

Allele frequency attached by ClinVar (database versions not stated): gnomAD exomes 0.00002 and 0.00007; ExAC 0.00007; gnomAD 0.00017; TOPMed 0.00021; ESP Exome Variant Server 0.00046.
gnomAD v4.1: 62 of 1,614,056 alleles (0.0038%); highest among the groups gnomAD compares: African/African-American, 0.068%; no homozygotes.

Submission:

Labcorp Genetics (formerly Invitae), Labcorp
Classification: Uncertain significance. Last evaluated: 2025-10-13. Review status: criteria provided, single submitter. Criteria: Invitae Variant Classification Sherloc (09022015). Collection method: clinical testing. Allele origin: germline.
Comment: This sequence change replaces arginine, which is basic and polar, with cysteine, which is neutral and slightly polar, at codon 201 of the SIAE protein (p.Arg201Cys). This variant is present in population databases (rs139784111, gnomAD 0.09%), and has an allele count higher than expected for a pathogenic variant. This variant has not been reported in the literature in individuals affected with SIAE-related conditions. ClinVar contains an entry for this variant (Variation ID: 1034946). An algorithm developed to predict the effect of missense changes on protein structure and function (PolyPhen-2) suggests that this variant is likely to be disruptive. In summary, the available evidence is currently insufficient to determine the role of this variant in disease. Therefore, it has been classified as a Variant of Uncertain Significance.